The following is an entry in ClinVar:

ClinVar aggregate classification (germline): Uncertain significance (1 of 4 stars; one submission).

Conditions:
ALG1-congenital disorder of glycosylation. Also called: CONGENITAL DISORDER OF GLYCOSYLATION, TYPE Ik; CDG Ik; ALG1-CDG. Identifiers: Orphanet 79327, MedGen C2931005, MONDO:0012052, OMIM 608540.

Submission:

Labcorp Genetics (formerly Invitae), Labcorp
Classification: Uncertain significance for ALG1-congenital disorder of glycosylation. Last evaluated: 2023-10-07. Review status: criteria provided, single submitter. Criteria: Invitae Variant Classification Sherloc (09022015). Collection method: clinical testing. Allele origin: germline.
Comment: This sequence change replaces proline, which is neutral and non-polar, with arginine, which is basic and polar, at codon 226 of the ALG1 protein (p.Pro226Arg). This variant is not present in population databases (gnomAD no frequency). This variant has not been reported in the literature in individuals affected with ALG1-related conditions. Advanced modeling of protein sequence and biophysical properties (such as structural, functional, and spatial information, amino acid conservation, physicochemical variation, residue mobility, and thermodynamic stability) performed at Invitae indicates that this missense variant is not expected to disrupt ALG1 protein function. In summary, the available evidence is currently insufficient to determine the role of this variant in disease. Therefore, it has been classified as a Variant of Uncertain Significance.

NM_019109.5(ALG1):c.677C>G (p.Pro226Arg)

Gene: ALG1 (ALG1 chitobiosyldiphosphodolichol beta-mannosyltransferase; plus strand). Cytogenetic location: 16p13.3.
Variant type: single nucleotide variant.
Coding change: c.677C>G on transcript NM_019109.5 (MANE Select); coding-DNA position 677, C replaced by G.
Protein change: p.Pro226Arg; replaces proline 226 with arginine.
Molecular consequence: missense variant.
Genome position (GRCh38, 1-based): chr16:5,077,954, C>G. VCF-style: chr16-5077954-C-G. GRCh37 (hg19) VCF-style: chr16-5127955-C-G.
Other names: c.344C>G, p.Pro115Arg (NM_001330504.2); short protein forms P226R, P115R.
Identifiers: ClinVar variation 2992591 (VCV002992591.3), dbSNP rs1956944166, ClinGen allele CA394681528.
Genomic context (GRCh38, chr16:5,077,954, plus strand): 5'-GATTTCATTGCAGGGCTGTGACCGTCTACGACAAGCCCGCATCTTTCTTTAAAGAGACAC[C>G]TCTGGACCTGCAGCACCGGCTCTTCATGAAGCTGGGCAGCATGCACTCTCCGTTCAGGGC-3'
Protein context (NP_061982.3, residues 216-236): DKPASFFKET[Pro226Arg]LDLQHRLFMK